The following is an entry in ClinVar:

ClinVar aggregate classification (germline): Conflicting classifications of pathogenicity. Review status: criteria provided, conflicting classifications (1 of 4 stars). 2 submissions from 2 submitters: Uncertain significance (1); Likely benign (1). Last evaluated 2025-12-09.

Conditions:
Inborn genetic diseases. Identifiers: MedGen C0950123, MeSH D030342.
Female infertility due to zona pellucida defect (OZEMA1). Also called: OOCYTE/ZYGOTE/EMBRYO MATURATION ARREST 1; Oocyte maturation defect 1. Identifiers: Orphanet 404466, MedGen C4014291, MONDO:0014342, OMIM 615774.

Allele frequency attached by ClinVar (database versions not stated): gnomAD exomes 0.00003; TOPMed 0.00002; ExAC 0.00002.

Submissions (2):

Ambry Genetics
Classification: Likely benign for Inborn genetic diseases. Last evaluated: 2025-12-09. Review status: criteria provided, single submitter. Criteria: Ambry Variant Classification Scheme 2023. Collection method: clinical testing. Allele origin: germline.

MGZ Medical Genetics Center
Classification: Uncertain significance for Female infertility due to zona pellucida defect. Last evaluated: 2022-05-24. Review status: criteria provided, single submitter. Criteria: ACMG Guidelines, 2015. Collection method: clinical testing. Allele origin: germline. Affected: yes. Observed: 1 variant allele.
Comment: ACMG criteria applied: PM2_SUP

NM_207341.4(ZP1):c.1378G>A (p.Ala460Thr)

Gene: ZP1 (zona pellucida glycoprotein 1; plus strand). Cytogenetic location: 11q12.2.
Variant type: single nucleotide variant.
Coding change: c.1378G>A on transcript NM_207341.4 (MANE Select); coding-DNA position 1378, G replaced by A.
Protein change: p.Ala460Thr; replaces alanine 460 with threonine.
Molecular consequence: missense variant.
Genome position (GRCh38, 1-based): chr11:60,873,512, G>A. VCF-style: chr11-60873512-G-A. GRCh37 (hg19) VCF-style: chr11-60640985-G-A.
Other names: c.1378G>A (NM_207341.2); c.499G>A, p.Ala167Thr (NM_001391943.1); c.184G>A, p.Ala62Thr (NM_001391944.1); short protein forms A167T, A460T, A62T.
Identifiers: ClinVar variation 1709476 (VCV001709476.3), dbSNP rs773898067, ClinGen allele CA6027586.
Genomic context (GRCh38, chr11:60,873,512, plus strand): 5'-GTCCGGCTTCTGCAGAGGACAGACCCCAACCTGGTCCTGCTGCTGCACCAGTGCTGGGGC[G>A]CTCCCAGTGCCAACCCCTTCCAGCAGCCCCAGTGGCCCATCCTGTCAGACGGGTGAGTGC-3'
Protein context (NP_997224.2, residues 450-470): LVLLLHQCWG[Ala460Thr]PSANPFQQPQ